The following is an entry in ClinVar:

NM_004130.4(GYG1):c.683del (p.Thr228fs)

Gene: GYG1 (glycogenin 1; plus strand). Cytogenetic location: 3q24.
Variant type: Deletion.
Coding change: c.683del on transcript NM_004130.4 (MANE Select); coding-DNA position 683, one base deleted (C; older notation c.683delC).
Protein change: p.Thr228fs; shifts the reading frame from threonine 228.
Molecular consequence: frameshift variant. On other transcripts: intron variant (1).
Genome position (GRCh38, 1-based): chr3:149,024,127, C deleted. VCF-style (leftmost placement, unchanged base first): chr3-149024126-AC-A. GRCh37 (hg19) VCF-style: chr3-148741913-AC-A.
Other names: c.683del, p.Thr228fs (NM_001184720.2); c.609-2633del (NM_001184721.2); short protein forms T228fs.
Identifiers: ClinVar variation 1906288 (VCV001906288.5), dbSNP rs747627650, ClinGen allele CA2658636.

ClinVar aggregate classification (germline): Pathogenic (1 of 4 stars; one submission).

Conditions:
Polyglucosan body myopathy type 2. Identifiers: Orphanet 456369, MedGen C4015452, MONDO:0014526, OMIM 616199.
Glycogen storage disease XV (GSD15). Also called: GLYCOGENIN DEFICIENCY; GSD XV. Identifiers: Orphanet 263297, MedGen C3150754, MONDO:0013291, OMIM 613507.

Allele frequency attached by ClinVar (database versions not stated): gnomAD exomes below 0.00001; TOPMed below 0.00001; ExAC 0.00001.

Submission:

Labcorp Genetics (formerly Invitae), Labcorp
Classification: Pathogenic for Polyglucosan body myopathy type 2; Glycogen storage disease XV. Last evaluated: 2023-12-18. Review status: criteria provided, single submitter. Criteria: Invitae Variant Classification Sherloc (09022015). Collection method: clinical testing. Allele origin: germline.
Comment: This sequence change creates a premature translational stop signal (p.Thr228Lysfs*13) in the GYG1 gene. It is expected to result in an absent or disrupted protein product. Loss-of-function variants in GYG1 are known to be pathogenic (PMID: 20357282, 25272951). This variant is present in population databases (rs747627650, gnomAD 0.006%). This variant has not been reported in the literature in individuals affected with GYG1-related conditions. ClinVar contains an entry for this variant (Variation ID: 1906288). For these reasons, this variant has been classified as Pathogenic.

Literature cited by the submitters: PubMed 20357282; PubMed 25272951.